The following is an entry in ClinVar:

NM_001035.3(RYR2):c.11127G>A (p.Glu3709=)

Gene: RYR2 (ryanodine receptor 2; plus strand). Cytogenetic location: 1q43.
Variant type: single nucleotide variant.
Coding change: c.11127G>A on transcript NM_001035.3 (MANE Select); coding-DNA position 11127, G replaced by A.
Protein change: p.Glu3709=; no amino-acid change (glutamic acid 3709 retained).
Molecular consequence: synonymous variant.
Genome position (GRCh38, 1-based): chr1:237,742,331, G>A. VCF-style: chr1-237742331-G-A. GRCh37 (hg19) VCF-style: chr1-237905631-G-A.
Identifiers: ClinVar variation 701496 (VCV000701496.14), dbSNP rs777292211, ClinGen allele CA084742.

ClinVar aggregate classification (germline): Benign/Likely benign. Review status: criteria provided, multiple submitters, no conflicts (2 of 4 stars). 3 submissions from 3 submitters: Benign (2); Likely benign (1). Last evaluated 2025-04-10.

Conditions:
Catecholaminergic polymorphic ventricular tachycardia (CVPT). Also called: Catecholamine-induced polymorphic ventricular tachycardia. Identifiers: Orphanet 3286, MedGen C5574922, MONDO:0017990.
Catecholaminergic polymorphic ventricular tachycardia 1. Also called: VENTRICULAR TACHYCARDIA, CATECHOLAMINERGIC POLYMORPHIC, 1, WITH OR WITHOUT ATRIAL DYSFUNCTION AND/OR DILATED CARDIOMYOPATHY; VENTRICULAR TACHYCARDIA, STRESS-INDUCED POLYMORPHIC 1; RYR2-Related Catecholaminergic Polymorphic Ventricular Tachycardia. Identifiers: Orphanet 3286, MedGen C1631597, MONDO:0011484, OMIM 604772.
Cardiomyopathy (CMYO). Also called: Cardiomyopathies. Identifiers: Orphanet 167848, MedGen C0878544, MONDO:0004994, HP:0001638. Inheritance: Various modes of inheritance.

Allele frequency attached by ClinVar (database versions not stated): gnomAD 0.00001; gnomAD exomes 0.00001 and 0.00006; TOPMed 0.00002; ExAC 0.00010.
gnomAD v4.1: 13 of 1,570,696 alleles (0.00083%); highest among the groups gnomAD compares: East Asian, 0.023%; no homozygotes.

Submissions (3):

Labcorp Genetics (formerly Invitae), Labcorp
Classification: Likely benign for Catecholaminergic polymorphic ventricular tachycardia 1. Last evaluated: 2025-04-10. Review status: criteria provided, single submitter. Criteria: Invitae Variant Classification Sherloc (09022015). Collection method: clinical testing. Allele origin: germline.

All of Us Research Program, National Institutes of Health
Classification: Benign for Catecholaminergic polymorphic ventricular tachycardia. Last evaluated: 2023-06-15. Review status: criteria provided, single submitter. Criteria: ACMG Guidelines, 2015. Collection method: clinical testing. Allele origin: germline. Inheritance: Autosomal dominant inheritance. Observed: 2 variant alleles, 2 heterozygotes.
Comment: This study involves interpretation of variants in research participants for the purpose of population health screening. Participant phenotype was not available at the time of variant classification. Additional details can be found in publication PMID: 35346344, PMCID: PMC8962531

Color Diagnostics, LLC DBA Color Health
Classification: Benign for Cardiomyopathy. Last evaluated: 2020-02-09. Review status: criteria provided, single submitter. Criteria: ACMG Guidelines, 2015. Collection method: clinical testing. Allele origin: germline.